The following is an entry in ClinVar:

ClinVar aggregate classification (germline): Uncertain significance. Review status: criteria provided, multiple submitters, no conflicts (2 of 4 stars). 2 submissions from 2 submitters: Uncertain significance (2). Last evaluated 2024-05-07.

Allele frequency attached by ClinVar (database versions not stated): gnomAD exomes 0.00001; gnomAD 0.00003; ExAC 0.00004; TOPMed 0.00006; ESP Exome Variant Server 0.00008.
gnomAD v4.1: 24 of 1,613,168 alleles (0.0015%); highest among the groups gnomAD compares: African/African-American, 0.0067%; no homozygotes.

Submissions (2):

GeneDx
Classification: Uncertain significance. Last evaluated: 2024-05-07. Review status: criteria provided, single submitter. Criteria: GeneDx Variant Classification Process June 2021. Collection method: clinical testing. Allele origin: germline. Affected: yes.
Comment: In silico analysis supports that this missense variant has a deleterious effect on protein structure/function; Has not been previously published as pathogenic or benign to our knowledge

Labcorp Genetics (formerly Invitae), Labcorp
Classification: Uncertain significance. Last evaluated: 2022-02-03. Review status: criteria provided, single submitter. Criteria: Invitae Variant Classification Sherloc (09022015). Collection method: clinical testing. Allele origin: germline.
Comment: This sequence change replaces arginine, which is basic and polar, with cysteine, which is neutral and slightly polar, at codon 449 of the USH2A protein (p.Arg449Cys). This variant is present in population databases (rs368754739, gnomAD 0.01%). This variant has not been reported in the literature in individuals affected with USH2A-related conditions. Algorithms developed to predict the effect of missense changes on protein structure and function output the following: SIFT: "Tolerated"; PolyPhen-2: "Benign"; Align-GVGD: "Class C0". The cysteine amino acid residue is found in multiple mammalian species, which suggests that this missense change does not adversely affect protein function. In summary, the available evidence is currently insufficient to determine the role of this variant in disease. Therefore, it has been classified as a Variant of Uncertain Significance.

NM_206933.4(USH2A):c.1345C>T (p.Arg449Cys)

Gene: USH2A (usherin; minus strand). Cytogenetic location: 1q41.
Variant type: single nucleotide variant.
Coding change: c.1345C>T on transcript NM_206933.4 (MANE Select); coding-DNA position 1345, C replaced by T.
Protein change: p.Arg449Cys; replaces arginine 449 with cysteine.
Molecular consequence: missense variant.
Genome position (GRCh38, 1-based): chr1:216,323,679, G>A on the plus strand (C>T on the coding strand, the complement: USH2A is on the minus strand). VCF-style: chr1-216323679-G-A. GRCh37 (hg19) VCF-style: chr1-216497021-G-A.
Other names: c.1345C>T, p.Arg449Cys (NM_007123.6); c.1345C>T (NM_206933.2); short protein forms R449C.
Identifiers: ClinVar variation 2058264 (VCV002058264.2), dbSNP rs368754739, ClinGen allele CA1396541.